The following is an entry in ClinVar:

NM_000466.3(PEX1):c.2716A>T (p.Lys906Ter)

Gene: PEX1 (peroxisomal biogenesis factor 1; minus strand). Cytogenetic location: 7q21.2.
Variant type: single nucleotide variant.
Coding change: c.2716A>T on transcript NM_000466.3 (MANE Select); coding-DNA position 2716, A replaced by T.
Protein change: p.Lys906Ter; replaces lysine 906 with a stop codon.
Molecular consequence: nonsense.
Genome position (GRCh38, 1-based): chr7:92,499,706, T>A on the plus strand (A>T on the coding strand, the complement: PEX1 is on the minus strand). VCF-style: chr7-92499706-T-A. GRCh37 (hg19) VCF-style: chr7-92129020-T-A.
Other names: c.2545A>T, p.Lys849Ter (NM_001282677.2); c.2092A>T, p.Lys698Ter (NM_001282678.2); short protein forms K698*, K849*, K906*.
Identifiers: ClinVar variation 4818396 (VCV004818396.1).

ClinVar aggregate classification (germline): Likely pathogenic (1 of 4 stars; one submission).

Conditions:
Zellweger spectrum disorders (ZS). Also called: Zellweger Spectrum Disorder (ZSD); Zellweger syndrome; Zellweger Spectrum Disorder; Zellweger Spectrum. Identifiers: Orphanet 912, MedGen C0043459, MONDO:0019609.

Submission:

Natera, Inc.
Classification: Likely pathogenic for Zellweger syndrome. Last evaluated: 2024-07-09. Review status: criteria provided, single submitter. Criteria: Natera Variant Classification Schema (03/2026). Collection method: clinical testing. Allele origin: germline.
Comment: The c.2716A>T variant in PEX1 is a nonsense variant predicted to introduce a stop codon at amino acid 906. This variant is expected to result in nonsense mediated decay, truncation, or a dysfunctional protein product. This variant is rare in the general population with a frequency below the threshold expected for the associated phenotype(s). Given the available evidence, this variant is classified as Likely Pathogenic.